The following is an entry in ClinVar:

NM_020693.4(DSCAML1):c.2498G>A (p.Arg833His)

Gene: DSCAML1 (DS cell adhesion molecule like 1; minus strand). Cytogenetic location: 11q23.3.
Variant type: single nucleotide variant.
Coding change: c.2498G>A on transcript NM_020693.4 (MANE Select); coding-DNA position 2498, G replaced by A.
Protein change: p.Arg833His; replaces arginine 833 with histidine.
Molecular consequence: missense variant.
Genome position (GRCh38, 1-based): chr11:117,482,024, C>T on the plus strand (G>A on the coding strand, the complement: DSCAML1 is on the minus strand). VCF-style: chr11-117482024-C-T. GRCh37 (hg19) VCF-style: chr11-117352739-C-T.
Other names: c.2498G>A, p.Arg833His (NM_001367904.1); short protein forms R833H.
Identifiers: ClinVar variation 3611099 (VCV003611099.2).

ClinVar aggregate classification (germline): Uncertain significance (1 of 4 stars; one submission).

gnomAD v4.1: 31 of 1,614,066 alleles (0.0019%); highest among the groups gnomAD compares: Admixed American, 0.005%; no homozygotes.

Submission:

Labcorp Genetics (formerly Invitae), Labcorp
Classification: Uncertain significance. Last evaluated: 2024-09-10. Review status: criteria provided, single submitter. Criteria: Invitae Variant Classification Sherloc (09022015). Collection method: clinical testing. Allele origin: germline.
Comment: This sequence change replaces arginine, which is basic and polar, with histidine, which is basic and polar, at codon 893 of the DSCAML1 protein (p.Arg893His). This variant is present in population databases (rs761341575, gnomAD 0.003%). This variant has not been reported in the literature in individuals affected with DSCAML1-related conditions. An algorithm developed to predict the effect of missense changes on protein structure and function (PolyPhen-2) suggests that this variant is likely to be disruptive. In summary, the available evidence is currently insufficient to determine the role of this variant in disease. Therefore, it has been classified as a Variant of Uncertain Significance.